The following is an entry in ClinVar:

ClinVar aggregate classification (germline): Conflicting classifications of pathogenicity. Review status: criteria provided, conflicting classifications (1 of 4 stars). 4 submissions from 4 submitters: Uncertain significance (1); Likely benign (2). 1 of the submissions does not count toward it. Last evaluated 2025-12-30.

Conditions:
TNC-related disorder. Also called: TNC-related condition.

Allele frequency attached by ClinVar (database versions not stated): gnomAD exomes 0.00007; ESP Exome Variant Server 0.00008; ExAC 0.00009.
gnomAD v4.1: 104 of 1,613,810 alleles (0.0064%); highest among the groups gnomAD compares: East Asian, 0.069%; no homozygotes.

Submissions (4):

Women's Health and Genetics/Laboratory Corporation of America, LabCorp
Classification: Likely benign. Last evaluated: 2025-12-30. Review status: criteria provided, single submitter. Criteria: LabCorp Variant Classification Summary - May 2015. Collection method: clinical testing. Allele origin: germline.
Comment: Variant summary: TNC c.965G>A (p.Arg322Gln) results in a conservative amino acid change in the encoded protein sequence. Algorithms developed to predict the effect of missense changes on protein structure and function are either unavailable or do not agree on the potential impact of this missense change. The variant allele was found at a frequency of 6.4e-05 in 1606836 control chromosomes (gnomAD). The occurrence in numerous carriers suggests that this variant is likely not associated with a high penetrance, severe, early onset disease phenotype in heterozygous state. To our knowledge, no occurrence of c.965G>A in individuals affected with TNC-related conditions and no experimental evidence demonstrating its impact on protein function have been reported. ClinVar contains an entry for this variant (Variation ID: 1318379). Based on the evidence outlined above, the variant was classified as likely benign.

Ambry Genetics
Classification: Uncertain significance. Last evaluated: 2024-02-05. Review status: criteria provided, single submitter. Criteria: Ambry Variant Classification Scheme 2023. Collection method: clinical testing. Allele origin: germline.

GeneDx
Classification: Likely benign. Last evaluated: 2021-02-22. Review status: criteria provided, single submitter. Criteria: GeneDx Variant Classification Process June 2021. Collection method: clinical testing. Allele origin: germline. Affected: yes.

PreventionGenetics, part of Exact Sciences
Classification: Likely benign for TNC-related condition. Last evaluated: 2024-04-16. Review status: no assertion criteria provided. Collection method: clinical testing. Allele origin: germline. Not counted in ClinVar's aggregate classification.
Comment: This variant is classified as likely benign based on ACMG/AMP sequence variant interpretation guidelines (Richards et al. 2015 PMID: 25741868, with internal and published modifications).

NM_002160.4(TNC):c.965G>A (p.Arg322Gln)

Gene: TNC (tenascin C; minus strand). Cytogenetic location: 9q33.1.
Variant type: single nucleotide variant.
Coding change: c.965G>A on transcript NM_002160.4 (MANE Select); coding-DNA position 965, G replaced by A.
Protein change: p.Arg322Gln; replaces arginine 322 with glutamine.
Molecular consequence: missense variant.
Genome position (GRCh38, 1-based): chr9:115,086,766, C>T on the plus strand (G>A on the coding strand, the complement: TNC is on the minus strand). VCF-style: chr9-115086766-C-T. GRCh37 (hg19) VCF-style: chr9-117849045-C-T.
Other names: short protein forms R322Q.
Identifiers: ClinVar variation 1318379 (VCV001318379.6), dbSNP rs145315080, ClinGen allele CA5208917.
Genomic context (GRCh38, chr9:115,086,766, plus strand): 5'-CCGCAGTCTTCACCTGTGAAGCCTTCTTCGCAGTAGCAGGTGCCATTGATGCAGCGGCCC[C>T]GGTCGAAGCAGTCATTGGGGCAGATGAGCTCACTGCAGTCTTCGCCCGTGAAACCCTCAT-3'
Protein context (NP_002151.2, residues 312-332): ELICPNDCFD[Arg322Gln]GRCINGTCYC